The following is an entry in ClinVar:

NM_002474.3(MYH11):c.3041A>G (p.Asn1014Ser)

Gene: MYH11 (myosin heavy chain 11; minus strand). Cytogenetic location: 16p13.11.
Variant type: single nucleotide variant.
Coding change: c.3041A>G on transcript NM_002474.3 (MANE Select); coding-DNA position 3041, A replaced by G.
Protein change: p.Asn1014Ser; replaces asparagine 1014 with serine.
Molecular consequence: missense variant.
Genome position (GRCh38, 1-based): chr16:15,738,645, T>C on the plus strand (A>G on the coding strand, the complement: MYH11 is on the minus strand). VCF-style: chr16-15738645-T-C. GRCh37 (hg19) VCF-style: chr16-15832502-T-C.
Other names: c.3062A>G, p.Asn1021Ser (NM_001040113.2, NM_001040114.2); c.3041A>G, p.Asn1014Ser (NM_022844.3); short protein forms N1014S, N1021S.
Identifiers: ClinVar variation 1799163 (VCV001799163.2), dbSNP rs2506191909, ClinGen allele CA394863941.

ClinVar aggregate classification (germline): Uncertain significance (1 of 4 stars; one submission).

Conditions:
Familial thoracic aortic aneurysm and aortic dissection (TAAD). Also called: Thoracic aortic aneurysms and dissections. Identifiers: Orphanet 91387, MedGen C4707243, MONDO:0019625.

Submission:

Ambry Genetics
Classification: Uncertain significance for Familial thoracic aortic aneurysm and aortic dissection. Last evaluated: 2021-08-05. Review status: criteria provided, single submitter. Criteria: Ambry Variant Classification Scheme 2023. Collection method: clinical testing. Allele origin: germline.
Comment: The p.N1014S variant (also known as c.3041A>G), located in coding exon 23 of the MYH11 gene, results from an A to G substitution at nucleotide position 3041. The asparagine at codon 1014 is replaced by serine, an amino acid with highly similar properties. This amino acid position is conserved. In addition, this alteration is predicted to be tolerated by in silico analysis. Since supporting evidence is limited at this time, the clinical significance of this alteration remains unclear.